The following is an entry in ClinVar:

ClinVar aggregate classification (germline): Likely benign. Review status: criteria provided, multiple submitters, no conflicts (2 of 4 stars). 3 submissions from 3 submitters: Likely benign (3). Last evaluated 2025-06-12.

Conditions:
Brody myopathy. Also called: BRODY DISEASE. Identifiers: Orphanet 53347, MedGen C1832918, MONDO:0010977, OMIM 601003.

Allele frequency attached by ClinVar (database versions not stated): gnomAD exomes 0.00002; ExAC 0.00003; gnomAD 0.00003 and 0.00004; TOPMed 0.00003; 1000 Genomes Project 30x 0.00016; 1000 Genomes Project 0.00020.
gnomAD v4.1: 48 of 1,613,684 alleles (0.003%); highest among the groups gnomAD compares: Admixed American, 0.0083%; no homozygotes.

Submissions (3):

Labcorp Genetics (formerly Invitae), Labcorp
Classification: Likely benign for Brody myopathy. Last evaluated: 2025-06-12. Review status: criteria provided, single submitter. Criteria: Invitae Variant Classification Sherloc (09022015). Collection method: clinical testing. Allele origin: germline.

Blueprint Genetics
Classification: Likely benign. Last evaluated: 2021-09-01. Review status: criteria provided, single submitter. Criteria: ACMG Guidelines, 2015. Collection method: clinical testing. Allele origin: germline.

GeneDx
Classification: Likely benign. Last evaluated: 2016-04-22. Review status: criteria provided, single submitter. Criteria: GeneDx Variant Classification (06012015). Collection method: clinical testing. Allele origin: germline. Affected: yes.
Comment: This variant is considered likely benign or benign based on one or more of the following criteria: it is a conservative change, it occurs at a poorly conserved position in the protein, it is predicted to be benign by multiple in silico algorithms, and/or has population frequency not consistent with disease.

NM_004320.6(ATP2A1):c.463+16G>A

Gene: ATP2A1 (ATPase sarcoplasmic/endoplasmic reticulum Ca2+ transporting 1; plus strand). Cytogenetic location: 16p11.2.
Variant type: single nucleotide variant.
Coding change: c.463+16G>A on transcript NM_004320.6 (MANE Select); 16 bases into the intron after coding-DNA position 463, G replaced by A.
Molecular consequence: intron variant.
Genome position (GRCh38, 1-based): chr16:28,882,605, G>A. VCF-style: chr16-28882605-G-A. GRCh37 (hg19) VCF-style: chr16-28893926-G-A.
Other names: c.463+16G>A (NM_173201.5); c.88+16G>A (NM_001286075.2).
Identifiers: ClinVar variation 385145 (VCV000385145.7), dbSNP rs568872134, ClinGen allele CA7986651.